The following is an entry in ClinVar:

ClinVar aggregate classification (germline): Pathogenic. Review status: criteria provided, multiple submitters, no conflicts (2 of 4 stars). 2 submissions from 2 submitters: Pathogenic (2). Last evaluated 2025-03-26.

Conditions:
Breast-ovarian cancer, familial, susceptibility to, 4. Identifiers: Orphanet 145, MedGen C3280345, MONDO:0013669, OMIM 614291.

Submissions (2):

Labcorp Genetics (formerly Invitae), Labcorp
Classification: Pathogenic for Breast-ovarian cancer, familial, susceptibility to, 4. Last evaluated: 2025-03-26. Review status: criteria provided, single submitter. Criteria: Invitae Variant Classification Sherloc (09022015). Collection method: clinical testing. Allele origin: germline.
Comment: This sequence change creates a premature translational stop signal (p.Tyr134*) in the RAD51D gene. It is expected to result in an absent or disrupted protein product. Loss-of-function variants in RAD51D are known to be pathogenic (PMID: 21822267). This variant is not present in population databases (gnomAD no frequency). This variant has not been reported in the literature in individuals affected with RAD51D-related conditions. ClinVar contains an entry for this variant (Variation ID: 3148224). Algorithms developed to predict the effect of sequence changes on RNA splicing suggest that this variant may disrupt the consensus splice site. For these reasons, this variant has been classified as Pathogenic.

Myriad Genetics, Inc.
Classification: Pathogenic for Breast-ovarian cancer, familial, susceptibility to, 4. Last evaluated: 2024-01-04. Review status: criteria provided, single submitter. Criteria: Myriad Autosomal Dominant, Autosomal Recessive and X-Linked Classification Criteria (2023). Collection method: clinical testing. Allele origin: unknown.
Comment: This variant is considered pathogenic. This variant creates a termination codon and is predicted to result in premature protein truncation.

Literature cited by the submitters: PubMed 21822267 (cited by Labcorp Genetics (formerly Invitae), Labcorp).

NM_002878.4(RAD51D):c.402T>G (p.Tyr134Ter)

Genes: RAD51L3-RFFL (RAD51L3-RFFL readthrough; minus strand), RAD51D (RAD51 paralog D; minus strand). Cytogenetic location: 17q12.
Variant type: single nucleotide variant.
Coding change: c.402T>G on transcript NM_002878.4 (MANE Select); coding-DNA position 402, T replaced by G.
Protein change: p.Tyr134Ter; replaces tyrosine 134 with a stop codon.
Molecular consequence: nonsense. On other transcripts: non-coding transcript variant (1), intron variant (1).
Genome position (GRCh38, 1-based): chr17:35,107,066, A>C on the plus strand (T>G on the coding strand, the complement: RAD51D is on the minus strand). VCF-style: chr17-35107066-A-C. GRCh37 (hg19) VCF-style: chr17-33434085-A-C.
Other names: c.462T>G, p.Tyr154Ter (NM_001142571.2); c.145-585T>G (NM_133629.3); short protein forms Y134*, Y154*.
Identifiers: ClinVar variation 3148224 (VCV003148224.2), dbSNP rs1419080369, ClinGen allele CA399089294.